The following is an entry in ClinVar:

ClinVar aggregate classification (germline): Uncertain significance. Review status: criteria provided, multiple submitters, no conflicts (2 of 4 stars). 2 submissions from 2 submitters: Uncertain significance (2). Last evaluated 2025-11-30.

gnomAD v4.1: 1 of 1,614,142 alleles (0.000062%); no homozygotes.

Submissions (2):

Labcorp Genetics (formerly Invitae), Labcorp
Classification: Uncertain significance. Last evaluated: 2025-11-30. Review status: criteria provided, single submitter. Criteria: Invitae Variant Classification Sherloc (09022015). Collection method: clinical testing. Allele origin: germline.
Comment: This sequence change creates a premature translational stop signal (p.Trp2587*) in the FLNB gene. While this is not anticipated to result in nonsense mediated decay, it is expected to disrupt the last 16 amino acid(s) of the FLNB protein. This variant is not present in population databases (gnomAD no frequency). This variant has not been reported in the literature in individuals affected with FLNB-related conditions. ClinVar contains an entry for this variant (Variation ID: 3337118). Algorithms developed to predict the effect of sequence changes on RNA splicing suggest that this variant may create or strengthen a splice site. In summary, the available evidence is currently insufficient to determine the role of this variant in disease. Therefore, it has been classified as a Variant of Uncertain Significance.

Clinical Genetics Laboratory, Skane University Hospital Lund
Classification: Uncertain significance. Last evaluated: 2023-10-10. Review status: criteria provided, single submitter. Criteria: ACMG Guidelines, 2015. Collection method: clinical testing. Allele origin: germline. Affected: yes.

NM_001457.4(FLNB):c.7761G>A (p.Trp2587Ter)

Gene: FLNB (filamin B; plus strand). Cytogenetic location: 3p14.3.
Variant type: single nucleotide variant.
Coding change: c.7761G>A on transcript NM_001457.4 (MANE Select); coding-DNA position 7761, G replaced by A.
Protein change: p.Trp2587Ter; replaces tryptophan 2587 with a stop codon.
Molecular consequence: nonsense.
Genome position (GRCh38, 1-based): chr3:58,170,714, G>A. VCF-style: chr3-58170714-G-A. GRCh37 (hg19) VCF-style: chr3-58156441-G-A.
Other names: c.7854G>A, p.Trp2618Ter (NM_001164317.2); c.7728G>A, p.Trp2576Ter (NM_001164318.2); c.7689G>A, p.Trp2563Ter (NM_001164319.2); short protein forms W2563*, W2576*, W2587*, W2618*.
Identifiers: ClinVar variation 3337118 (VCV003337118.2).